The following is an entry in ClinVar:

NM_182961.4(SYNE1):c.9779A>G (p.Gln3260Arg)

Gene: SYNE1 (spectrin repeat containing nuclear envelope protein 1; minus strand). Cytogenetic location: 6q25.2.
Variant type: single nucleotide variant.
Coding change: c.9779A>G on transcript NM_182961.4 (MANE Select); coding-DNA position 9779, A replaced by G.
Protein change: p.Gln3260Arg; replaces glutamine 3260 with arginine.
Molecular consequence: missense variant.
Genome position (GRCh38, 1-based): chr6:152,369,000, T>C on the plus strand (A>G on the coding strand, the complement: SYNE1 is on the minus strand). VCF-style: chr6-152369000-T-C. GRCh37 (hg19) VCF-style: chr6-152690135-T-C.
Other names: c.9800A>G, p.Gln3267Arg (NM_033071.5); short protein forms Q3260R, Q3267R.
Identifiers: ClinVar variation 1519843 (VCV001519843.3), dbSNP rs555197359, ClinGen allele CA4057212.

ClinVar aggregate classification (germline): Uncertain significance (1 of 4 stars; one submission).

Conditions:
Emery-Dreifuss muscular dystrophy 4, autosomal dominant (EDMD4). Also called: EMERY-DREIFUSS MUSCULAR DYSTROPHY 4 WITH VARIABLE FEATURES. Identifiers: Orphanet 261, MedGen C2751807, MONDO:0013071, OMIM 612998.
Autosomal recessive ataxia, Beauce type. Also called: Spinocerebellar ataxia, autosomal recessive 8; ATAXIA, RECESSIVE, OF BEAUCE; SYNE1 Deficiency; SYNE1-Related Autosomal Recessive Cerebellar Ataxia. Identifiers: Orphanet 88644, MedGen C1853116, MONDO:0012549, OMIM 610743.

Allele frequency attached by ClinVar (database versions not stated): gnomAD exomes 0.00001 and 0.00002; TOPMed 0.00001; ExAC 0.00002; gnomAD 0.00002 and 0.00003.
gnomAD v4.1: 16 of 1,614,224 alleles (0.00099%); highest among the groups gnomAD compares: Middle Eastern, 0.016%; 1 homozygote.

Submission:

Labcorp Genetics (formerly Invitae), Labcorp
Classification: Uncertain significance for Emery-Dreifuss muscular dystrophy 4, autosomal dominant; Autosomal recessive ataxia, Beauce type. Last evaluated: 2022-07-06. Review status: criteria provided, single submitter. Criteria: Invitae Variant Classification Sherloc (09022015). Collection method: clinical testing. Allele origin: germline.
Comment: This sequence change replaces glutamine, which is neutral and polar, with arginine, which is basic and polar, at codon 3267 of the SYNE1 protein (p.Gln3267Arg). This variant is present in population databases (rs555197359, gnomAD 0.003%). This variant has not been reported in the literature in individuals affected with SYNE1-related conditions. ClinVar contains an entry for this variant (Variation ID: 1519843). Algorithms developed to predict the effect of missense changes on protein structure and function (SIFT, PolyPhen-2, Align-GVGD) all suggest that this variant is likely to be disruptive. Algorithms developed to predict the effect of sequence changes on RNA splicing suggest that this variant may create or strengthen a splice site. In summary, the available evidence is currently insufficient to determine the role of this variant in disease. Therefore, it has been classified as a Variant of Uncertain Significance.